The following is an entry in ClinVar:

ClinVar aggregate classification (germline): Uncertain significance (1 of 4 stars; one submission).

gnomAD v4.1: 2 of 1,614,162 alleles (0.00012%); highest among the groups gnomAD compares: Admixed American, 0.0017%; no homozygotes.

Submission:

Dasa
Classification: Uncertain significance. Last evaluated: 2024-11-13. Review status: criteria provided, single submitter. Criteria: DASA Assertion Criteria. Collection method: clinical testing. Allele origin: germline.
Comment: NM_022455.5(NSD1):c.3334A>G (p.Ser1112Gly) is a missense variant that results in the substitution of serine with glycine. This variant is rare in population databases. The currently available literature and clinical evidence are not sufficient to establish a definitive association between this variant and the reported condition. Therefore, this variant is classified as a variant of uncertain significance.

NM_022455.5(NSD1):c.3334A>G (p.Ser1112Gly)

Gene: NSD1 (nuclear receptor binding SET domain protein 1; plus strand). Cytogenetic location: 5q35.3.
Variant type: single nucleotide variant.
Coding change: c.3334A>G on transcript NM_022455.5 (MANE Select); coding-DNA position 3334, A replaced by G.
Protein change: p.Ser1112Gly; replaces serine 1112 with glycine.
Molecular consequence: missense variant.
Genome position (GRCh38, 1-based): chr5:177,211,733, A>G. VCF-style: chr5-177211733-A-G. GRCh37 (hg19) VCF-style: chr5-176638734-A-G.
Other names: c.2461A>G, p.Ser821Gly (NM_001409306.1, NM_001409307.1, NM_001409308.1 and 3 more transcripts); c.3334A>G, p.Ser1112Gly (NM_001409301.1, NM_001409302.1, NM_001409303.1); c.2914A>G, p.Ser972Gly (NM_001409304.1); c.2581A>G, p.Ser861Gly (NM_001409305.1); short protein forms S1112G, S821G, S861G, S972G.
Identifiers: ClinVar variation 4881088 (VCV004881088.2).